The following is an entry in ClinVar:

ClinVar aggregate classification (germline): Uncertain significance. Review status: criteria provided, multiple submitters, no conflicts (2 of 4 stars). 3 submissions from 3 submitters: Uncertain significance (3). Last evaluated 2026-07-01.

Conditions:
Glycogen storage disease, type II (IOPD). Also called: POMPE DISEASE, INFANTILE-ONSET; GLYCOGEN STORAGE DISEASE II, INFANTILE-ONSET; ACID ALPHA-GLUCOSIDASE DEFICIENCY, INFANTILE-ONSET; GAA DEFICIENCY, INFANTILE-ONSET; ACID MALTASE DEFICIENCY, INFANTILE-ONSET; Glucosidase acid-1,4-alpha deficiency. Identifiers: Orphanet 365, MedGen C0017921, MONDO:0009290, OMIM 232300.

Submissions (3):

Genomenon, Inc
Classification: Uncertain significance for Glycogen storage disease, type II. Last evaluated: 2026-07-01. Review status: criteria provided, single submitter. Criteria: Genomenon Sequence Variant Interpretation Standards - Updated. Collection method: curation. Allele origin: germline. Affected: no.
Comment: GAA c.*187_*203delinsGGG is a deletion-insertion variant located in the 3′ untranslated region (3′ UTR). This variant has been reported in the published literature (PMID:33587123). It is absent or not present at a significant frequency in gnomAD. In conclusion, we classify GAA c.*187_*203delinsGGG as a variant of uncertain significance.

GeneDx
Classification: Uncertain significance. Last evaluated: 2025-06-15. Review status: criteria provided, single submitter. Criteria: GeneDx Variant Classification Process June 2021. Collection method: clinical testing. Allele origin: germline. Affected: yes.
Comment: Identified with a second heterozygous GAA variant, phase unknown, and reported as an incidental finding in an infant who underwent targeted genomic sequencing; however detailed clinical information was not provided (PMID: 33587123); Located in a regulatory region; in the absence of functional studies, the actual effect of this sequence change is unknown; Located in a region that tolerates variation and lacks pathogenic variants; No data available from ethnically-matched control populations to assess the frequency of this variant; This variant is associated with the following publications: (PMID: 33587123)

Athena Diagnostics
Classification: Uncertain significance. Last evaluated: 2020-01-21. Review status: criteria provided, single submitter. Criteria: Athena Diagnostics Criteria. Collection method: clinical testing. Allele origin: unknown.
Comment: This observation is not an independent occurrence and has been identified in the same individual by RCIGM, the other laboratory participating in the GEMINI study.

Literature cited by the submitters: PubMed 33587123 (cited by Genomenon, Inc).

NM_000152.5(GAA):c.*187_*203delinsGGG

Gene: GAA (alpha glucosidase; plus strand). Cytogenetic location: 17q25.3.
Variant type: Indel.
Coding change: c.*187_*203delinsGGG on transcript NM_000152.5 (MANE Select); 187 bases downstream of the stop codon through 203 bases downstream of the stop codon, TCTAGGAGAGCTTTCTC replaced by GGG.
Molecular consequence: 3 prime UTR variant.
Genome position (GRCh38, 1-based): chr17:80,119,518-80,119,534, TCTAGGAGAGCTTTCTC replaced by GGG. VCF-style: chr17-80119518-TCTAGGAGAGCTTTCTC-GGG. GRCh37 (hg19) VCF-style: chr17-78093317-TCTAGGAGAGCTTTCTC-GGG.
Other names: c.*187_*203delinsGGG (NM_001079803.3, NM_001079804.3); c.*187_*203del17insGGG (NM_001406741.1, NM_001406742.1).
Identifiers: ClinVar variation 1809754 (VCV001809754.3), dbSNP rs2510408279, ClinGen allele CA2580095402.